The following is an entry in ClinVar:

NM_003242.6(TGFBR2):c.1397-12C>A

Gene: TGFBR2 (transforming growth factor beta receptor 2; plus strand). Cytogenetic location: 3p24.1.
Variant type: single nucleotide variant.
Coding change: c.1397-12C>A on transcript NM_003242.6 (MANE Select); 12 bases into the intron before coding-DNA position 1397, C replaced by A.
Molecular consequence: intron variant.
Genome position (GRCh38, 1-based): chr3:30,688,372, C>A. VCF-style: chr3-30688372-C-A. GRCh37 (hg19) VCF-style: chr3-30729864-C-A.
Other names: c.1400-12C>A (NM_001407129.1); c.1292-12C>A (NM_001407132.1, NM_001407136.1, NM_001407133.1 and 2 more transcripts); c.1580-12C>A (NM_001407126.1); c.1472-12C>A (NM_001024847.3); c.530-15C>A (NM_001407139.1); c.1112-12C>A (NM_001407137.1); c.1505-12C>A (NM_001407127.1); c.1397-15C>A (NM_001407130.1); and 2 more.
Identifiers: ClinVar variation 3074615 (VCV003074615.2), dbSNP rs2470595158, ClinGen allele CA2664867931.

ClinVar aggregate classification (germline): Conflicting classifications of pathogenicity. Review status: criteria provided, conflicting classifications (1 of 4 stars). 2 submissions from 2 submitters: Uncertain significance (1); Likely benign (1). Last evaluated 2026-01-27.

Conditions:
Familial thoracic aortic aneurysm and aortic dissection (TAAD). Also called: Thoracic aortic aneurysms and dissections. Identifiers: Orphanet 91387, MedGen C4707243, MONDO:0019625.
Loeys-Dietz syndrome 2 (LDS2). Also called: TGFBR2-Related Loeys-Dietz Syndrome; AORTIC ANEURYSM, FAMILIAL THORACIC 3; MARFAN SYNDROME, TYPE II; Marfan syndrome, type 2 (formerly); Marfan Syndrome type 2; Marfan like connective tissue disorder. Identifiers: Orphanet 284973, Orphanet 558, MedGen C2674574, MONDO:0012427, OMIM 610168.

gnomAD v4.1: 9 of 1,614,142 alleles (0.00056%); highest among the groups gnomAD compares: Non-Finnish European, 0.00076%; no homozygotes.

Submissions (2):

Labcorp Genetics (formerly Invitae), Labcorp
Classification: Likely benign for Familial thoracic aortic aneurysm and aortic dissection. Last evaluated: 2026-01-27. Review status: criteria provided, single submitter. Criteria: Invitae Variant Classification Sherloc (09022015). Collection method: clinical testing. Allele origin: germline.

All of Us Research Program, National Institutes of Health
Classification: Uncertain significance for Loeys-Dietz syndrome 2. Last evaluated: 2023-11-20. Review status: criteria provided, single submitter. Criteria: ACMG Guidelines, 2015. Collection method: clinical testing. Allele origin: germline. Inheritance: Autosomal dominant inheritance. Observed: 1 variant allele, 1 heterozygote.
Comment: This variant causes a C to A nucleotide substitution at the -12 position of intron 5 of the TGFBR2 gene. Splice site prediction tools and conservation analysis are inconclusive regarding the impact of this variant on RNA splicing. To our knowledge, functional studies have not been reported for this variant. This variant has not been reported in individuals affected with TGFBR2-related disorders in the literature. This variant has not been identified in the general population by the Genome Aggregation Database (gnomAD). The available evidence is insufficient to determine the role of this variant in disease conclusively. Therefore, this variant is classified as a Variant of Uncertain Significance.

This study involves interpretation of variants in research participants for the purpose of population health screening. Participant phenotype was not available at the time of variant classification. Additional details can be found in publication PMID: 35346344, PMCID: PMC8962531